The following is an entry in ClinVar:

NM_206933.4(USH2A):c.5046C>A (p.Tyr1682Ter)

Genes: USH2A (usherin; minus strand), USH2A-AS2 (USH2A antisense RNA 2; plus strand). Cytogenetic location: 1q41.
Variant type: single nucleotide variant.
Coding change: c.5046C>A on transcript NM_206933.4 (MANE Select); coding-DNA position 5046, C replaced by A.
Protein change: p.Tyr1682Ter; replaces tyrosine 1682 with a stop codon.
Molecular consequence: nonsense.
Genome position (GRCh38, 1-based): chr1:216,084,819, G>T on the plus strand (C>A on the coding strand, the complement: USH2A is on the minus strand). VCF-style: chr1-216084819-G-T. GRCh37 (hg19) VCF-style: chr1-216258161-G-T.
Other names: short protein forms Y1682*.
Identifiers: ClinVar variation 2113117 (VCV002113117.5), dbSNP rs2527808793, ClinGen allele CA344859217.
Genomic context (GRCh38, chr1:216,084,819, plus strand): 5'-CACGTTGATTTGTTCTTCAGAACTCTGCCAATCCAGAGGTTCCCAAATAGCTGACGGATT[G>T]TAATTCTTCATAAAATGTACATCCTTGAGACAGCCCACAAAACCTTTTTGGATTATCTCT-3'

ClinVar aggregate classification (germline): Pathogenic. Review status: criteria provided, multiple submitters, no conflicts (2 of 4 stars). 2 submissions from 2 submitters: Pathogenic (2). Last evaluated 2024-03-22.

Conditions:
USH2A-related disorder. Also called: USH2A-related disorders; USH2A-related condition. Identifiers: MedGen CN239332.

Submissions (2):

Myriad Genetics, Inc.
Classification: Pathogenic for USH2A-related disorder. Last evaluated: 2024-03-22. Review status: criteria provided, single submitter. Criteria: Myriad Autosomal Dominant, Autosomal Recessive and X-Linked Classification Criteria (2023). Collection method: clinical testing. Allele origin: unknown.
Comment: NM_206933.2(USH2A):c.5046C>A(Y1682*) is expected to be pathogenic in the context of USH2A-related disorders. This variant is predicted to lead to an abnormal or absent protein product due to the creation of a premature termination codon in USH2A, a gene where loss-of-function variants are known to be pathogenic. Please note: this variant was assessed in the context of healthy population screening.

Labcorp Genetics (formerly Invitae), Labcorp
Classification: Pathogenic. Last evaluated: 2022-03-23. Review status: criteria provided, single submitter. Criteria: Invitae Variant Classification Sherloc (09022015). Collection method: clinical testing. Allele origin: germline.
Comment: This variant has not been reported in the literature in individuals affected with USH2A-related conditions. For these reasons, this variant has been classified as Pathogenic. This variant is not present in population databases (gnomAD no frequency). This sequence change creates a premature translational stop signal (p.Tyr1682*) in the USH2A gene. It is expected to result in an absent or disrupted protein product. Loss-of-function variants in USH2A are known to be pathogenic (PMID: 10729113, 10909849, 20507924, 25649381).

Literature cited by the submitters: PubMed 10729113 (cited by Labcorp Genetics (formerly Invitae), Labcorp); PubMed 10909849 (cited by Labcorp Genetics (formerly Invitae), Labcorp); PubMed 20507924 (cited by Labcorp Genetics (formerly Invitae), Labcorp); PubMed 25649381 (cited by Labcorp Genetics (formerly Invitae), Labcorp).